The following is an entry in ClinVar:

NM_020822.3(KCNT1):c.7C>T (p.Leu3Phe)

Gene: KCNT1 (potassium sodium-activated channel subfamily T member 1; plus strand). Cytogenetic location: 9q34.3.
Variant type: single nucleotide variant.
Coding change: c.7C>T on transcript NM_020822.3 (MANE Select); coding-DNA position 7, C replaced by T.
Protein change: p.Leu3Phe; replaces leucine 3 with phenylalanine.
Molecular consequence: missense variant.
Genome position (GRCh38, 1-based): chr9:135,702,265, C>T. VCF-style: chr9-135702265-C-T. GRCh37 (hg19) VCF-style: chr9-138594111-C-T.
Other names: c.7C>T, p.Leu3Phe (NM_001272003.2); short protein forms L3F.
Identifiers: ClinVar variation 2944820 (VCV002944820.3), dbSNP rs2490550479, ClinGen allele CA375492497.

ClinVar aggregate classification (germline): Uncertain significance (1 of 4 stars; one submission).

Conditions:
Autosomal dominant nocturnal frontal lobe epilepsy 5. Also called: Epilepsy, nocturnal frontal lobe, 5; CILIARY DYSKINESIA, PRIMARY, 28, WITHOUT SITUS INVERSUS; CILIARY DYSKINESIA, PRIMARY, 28, WITH SITUS INVERSUS; KCNT1-Related Epilepsy. Identifiers: Orphanet 98784, MedGen C3554306, MONDO:0014002, OMIM 615005.
Developmental and epileptic encephalopathy, 14 (DEE14). Also called: Early infantile epileptic encephalopathy 14. Identifiers: Orphanet 293181, MedGen C3554195, MONDO:0013989, OMIM 614959.

gnomAD v4.1: 3 of 1,608,252 alleles (0.00019%); highest among the groups gnomAD compares: South Asian, 0.0011%; no homozygotes.

Submission:

Labcorp Genetics (formerly Invitae), Labcorp
Classification: Uncertain significance for Autosomal dominant nocturnal frontal lobe epilepsy 5; Developmental and epileptic encephalopathy, 14. Last evaluated: 2023-02-28. Review status: criteria provided, single submitter. Criteria: Invitae Variant Classification Sherloc (09022015). Collection method: clinical testing. Allele origin: germline.
Comment: This variant has not been reported in the literature in individuals affected with KCNT1-related conditions. In summary, the available evidence is currently insufficient to determine the role of this variant in disease. Therefore, it has been classified as a Variant of Uncertain Significance. Advanced modeling of protein sequence and biophysical properties (such as structural, functional, and spatial information, amino acid conservation, physicochemical variation, residue mobility, and thermodynamic stability) performed at Invitae indicates that this missense variant is not expected to disrupt KCNT1 protein function. This variant is not present in population databases (gnomAD no frequency). This sequence change replaces leucine, which is neutral and non-polar, with phenylalanine, which is neutral and non-polar, at codon 3 of the KCNT1 protein (p.Leu3Phe).